The following is an entry in ClinVar:

NM_002485.5(NBN):c.139G>T (p.Val47Leu)

Gene: NBN (nibrin; minus strand). Cytogenetic location: 8q21.3.
Variant type: single nucleotide variant.
Coding change: c.139G>T on transcript NM_002485.5 (MANE Select); coding-DNA position 139, G replaced by T.
Protein change: p.Val47Leu; replaces valine 47 with leucine.
Molecular consequence: missense variant. On other transcripts: 5 prime UTR variant (1).
Genome position (GRCh38, 1-based): chr8:89,982,754, C>A on the plus strand (G>T on the coding strand, the complement: NBN is on the minus strand). VCF-style: chr8-89982754-C-A. GRCh37 (hg19) VCF-style: chr8-90994982-C-A.
Other names: c.-158G>T (NM_001024688.3); short protein forms V47L.
Identifiers: ClinVar variation 230202 (VCV000230202.8), dbSNP rs876658446, ClinGen allele CA10578811.

ClinVar aggregate classification (germline): Uncertain significance. Review status: criteria provided, multiple submitters, no conflicts (2 of 4 stars). 2 submissions from 2 submitters: Uncertain significance (2). Last evaluated 2024-10-23.

Conditions:
Hereditary cancer-predisposing syndrome. Also called: Hereditary Cancer Syndrome; Neoplastic Syndromes, Hereditary; Tumor predisposition; Hereditary neoplastic syndrome. Identifiers: Orphanet 140162, MedGen C0027672, MeSH D009386, MONDO:0015356.
Microcephaly, normal intelligence and immunodeficiency (NBS). Also called: BERLIN BREAKAGE SYNDROME; Ataxia telangiectasia variant V1; IMMUNODEFICIENCY, MICROCEPHALY, AND CHROMOSOMAL INSTABILITY; SEEMANOVA SYNDROME II; Nijmegen breakage syndrome; Microcephaly with normal intelligence immunodeficiency and lymphoreticular malignancies. Identifiers: Orphanet 647, MedGen C0398791, MONDO:0009623, OMIM 251260.

Submissions (2):

Labcorp Genetics (formerly Invitae), Labcorp
Classification: Uncertain significance for Microcephaly, normal intelligence and immunodeficiency. Last evaluated: 2024-10-23. Review status: criteria provided, single submitter. Criteria: Invitae Variant Classification Sherloc (09022015). Collection method: clinical testing. Allele origin: germline.
Comment: This sequence change replaces valine, which is neutral and non-polar, with leucine, which is neutral and non-polar, at codon 47 of the NBN protein (p.Val47Leu). This variant is not present in population databases (gnomAD no frequency). This variant has not been reported in the literature in individuals affected with NBN-related conditions. ClinVar contains an entry for this variant (Variation ID: 230202). An algorithm developed to predict the effect of missense changes on protein structure and function outputs the following: PolyPhen-2: "Benign". The leucine amino acid residue is found in multiple mammalian species, which suggests that this missense change does not adversely affect protein function. In summary, the available evidence is currently insufficient to determine the role of this variant in disease. Therefore, it has been classified as a Variant of Uncertain Significance.

Ambry Genetics
Classification: Uncertain significance for Hereditary cancer-predisposing syndrome. Last evaluated: 2024-10-17. Review status: criteria provided, single submitter. Criteria: Ambry Variant Classification Scheme 2023. Collection method: clinical testing. Allele origin: germline.
Comment: The p.V47L variant (also known as c.139G>T), located in coding exon 2 of the NBN gene, results from a G to T substitution at nucleotide position 139. The valine at codon 47 is replaced by leucine, an amino acid with highly similar properties. This amino acid position is not well conserved in available vertebrate species. In addition, this alteration is predicted to be tolerated by in silico analysis. Since supporting evidence is limited at this time, the clinical significance of this alteration remains unclear.